The following is an entry in ClinVar:

NM_001174089.2(SLC4A11):c.1003G>A (p.Ala335Thr)

Gene: SLC4A11 (solute carrier family 4 member 11; minus strand). Cytogenetic location: 20p13.
Variant type: single nucleotide variant.
Coding change: c.1003G>A on transcript NM_001174089.2 (MANE Select); coding-DNA position 1003, G replaced by A.
Protein change: p.Ala335Thr; replaces alanine 335 with threonine.
Molecular consequence: missense variant. On other transcripts: non-coding transcript variant (3).
Genome position (GRCh38, 1-based): chr20:3,231,188, C>T on the plus strand (G>A on the coding strand, the complement: SLC4A11 is on the minus strand). VCF-style: chr20-3231188-C-T. GRCh37 (hg19) VCF-style: chr20-3211834-C-T.
Other names: c.1132G>A, p.Ala378Thr (NM_001174090.2, NM_001400280.1); c.1003G>A, p.Ala335Thr (NM_001363745.2); c.946G>A, p.Ala316Thr (NM_001400277.1, NM_001400278.1, NM_001400279.1); c.1051G>A, p.Ala351Thr (NM_032034.4); short protein forms A316T, A378T, A335T, A351T.
Identifiers: ClinVar variation 4983018 (VCV004983018.1).

ClinVar aggregate classification (germline): Uncertain significance (1 of 4 stars; one submission).

Conditions:
SLC4A11-related disorder. Also called: SLC4A11-related condition.

gnomAD v4.1: 104 of 1,614,038 alleles (0.0064%); highest among the groups gnomAD compares: East Asian, 0.049%; no homozygotes.

Submission:

PreventionGenetics, part of Exact Sciences
Classification: Uncertain significance for SLC4A11-related condition. Last evaluated: 2026-06-19. Review status: criteria provided, single submitter. Criteria: ACMG Guidelines, 2015. Collection method: clinical testing. Allele origin: germline.
Comment: The SLC4A11 c.1051G>A variant is predicted to result in the amino acid substitution p.Ala351Thr. To our knowledge, this variant has not been reported in the literature. This variant is reported in 0.060% of alleles in individuals of East Asian descent in gnomAD. Although we suspect that this variant may be benign, at this time, the clinical significance of this variant is uncertain due to the absence of conclusive functional and genetic evidence.